The following is an entry in ClinVar:

ClinVar aggregate classification (germline): Uncertain significance (1 of 4 stars; one submission).

Conditions:
Deficiency of malonyl-CoA decarboxylase. Also called: Malonic aciduria; MCD deficiency. Identifiers: Orphanet 943, MedGen C0342793, MONDO:0009556, OMIM 248360.

Allele frequency attached by ClinVar (database versions not stated): ExAC 0.00032.
gnomAD v4.1: 37 of 1,512,712 alleles (0.0024%); highest among the groups gnomAD compares: South Asian, 0.029%; 1 homozygote.

Submission:

Labcorp Genetics (formerly Invitae), Labcorp
Classification: Uncertain significance for Deficiency of malonyl-CoA decarboxylase. Last evaluated: 2021-12-30. Review status: criteria provided, single submitter. Criteria: Invitae Variant Classification Sherloc (09022015). Collection method: clinical testing. Allele origin: germline.
Comment: This sequence change replaces glutamic acid, which is acidic and polar, with lysine, which is basic and polar, at codon 65 of the MLYCD protein (p.Glu65Lys). The frequency data for this variant in the population databases is considered unreliable, as metrics indicate poor data quality at this position in the gnomAD database. This variant has not been reported in the literature in individuals affected with MLYCD-related conditions. Algorithms developed to predict the effect of missense changes on protein structure and function are either unavailable or do not agree on the potential impact of this missense change (SIFT: "Deleterious"; PolyPhen-2: "Possibly Damaging"; Align-GVGD: "Class C0"). In summary, the available evidence is currently insufficient to determine the role of this variant in disease. Therefore, it has been classified as a Variant of Uncertain Significance.

NM_012213.3(MLYCD):c.193G>A (p.Glu65Lys)

Gene: MLYCD (malonyl-CoA decarboxylase; plus strand). Cytogenetic location: 16q23.3.
Variant type: single nucleotide variant.
Coding change: c.193G>A on transcript NM_012213.3 (MANE Select); coding-DNA position 193, G replaced by A.
Protein change: p.Glu65Lys; replaces glutamic acid 65 with lysine.
Molecular consequence: missense variant.
Genome position (GRCh38, 1-based): chr16:83,899,337, G>A. VCF-style: chr16-83899337-G-A. GRCh37 (hg19) VCF-style: chr16-83932942-G-A.
Other names: short protein forms E65K.
Identifiers: ClinVar variation 1931974 (VCV001931974.2), dbSNP rs755172155, ClinGen allele CA8197175.